The following is an entry in ClinVar:

ClinVar aggregate classification (germline): Uncertain significance. Review status: criteria provided, multiple submitters, no conflicts (2 of 4 stars). 2 submissions from 2 submitters: Uncertain significance (2). Last evaluated 2025-12-15.

Conditions:
Hereditary cancer-predisposing syndrome. Also called: Neoplastic Syndromes, Hereditary; Tumor predisposition; Hereditary Cancer Syndrome; Hereditary neoplastic syndrome. Identifiers: Orphanet 140162, MedGen C0027672, MeSH D009386, MONDO:0015356.
Neuroblastoma, susceptibility to, 3. Also called: ALK-Related Neuroblastic Tumor Susceptibility. Identifiers: Orphanet 635, MedGen C2751681, MONDO:0013083, OMIM 613014.

Allele frequency attached by ClinVar (database versions not stated): gnomAD exomes below 0.00001.
gnomAD v4.1: 2 of 1,614,154 alleles (0.00012%); highest among the groups gnomAD compares: Non-Finnish European, 0.000085%; no homozygotes.

Submissions (2):

Labcorp Genetics (formerly Invitae), Labcorp
Classification: Uncertain significance for Neuroblastoma, susceptibility to, 3. Last evaluated: 2025-12-15. Review status: criteria provided, single submitter. Criteria: Invitae Variant Classification Sherloc (09022015). Collection method: clinical testing. Allele origin: germline.
Comment: This sequence change replaces glycine, which is neutral and non-polar, with glutamic acid, which is acidic and polar, at codon 1552 of the ALK protein (p.Gly1552Glu). This variant is not present in population databases (gnomAD no frequency). This variant has not been reported in the literature in individuals affected with ALK-related conditions. ClinVar contains an entry for this variant (Variation ID: 1742203). An algorithm developed to predict the effect of missense changes on protein structure and function outputs the following: PolyPhen-2: "Benign". The glutamic acid amino acid residue is found in multiple mammalian species, which suggests that this missense change does not adversely affect protein function. In summary, the available evidence is currently insufficient to determine the role of this variant in disease. Therefore, it has been classified as a Variant of Uncertain Significance.

Ambry Genetics
Classification: Uncertain significance for Hereditary cancer-predisposing syndrome. Last evaluated: 2024-11-20. Review status: criteria provided, single submitter. Criteria: Ambry Variant Classification Scheme 2023. Collection method: clinical testing. Allele origin: germline.
Comment: The p.G1552E variant (also known as c.4655G>A), located in coding exon 29 of the ALK gene, results from a G to A substitution at nucleotide position 4655. The glycine at codon 1552 is replaced by glutamic acid, an amino acid with similar properties. This amino acid position is conserved. In addition, this alteration is predicted to be tolerated by in silico analysis. Since supporting evidence is limited at this time, the clinical significance of this alteration remains unclear.

NM_004304.5(ALK):c.4655G>A (p.Gly1552Glu)

Gene: ALK (ALK receptor tyrosine kinase; minus strand). Cytogenetic location: 2p23.2.
Variant type: single nucleotide variant.
Coding change: c.4655G>A on transcript NM_004304.5 (MANE Select); coding-DNA position 4655, G replaced by A.
Protein change: p.Gly1552Glu; replaces glycine 1552 with glutamic acid.
Molecular consequence: missense variant.
Genome position (GRCh38, 1-based): chr2:29,193,432, C>T on the plus strand (G>A on the coding strand, the complement: ALK is on the minus strand). VCF-style: chr2-29193432-C-T. GRCh37 (hg19) VCF-style: chr2-29416298-C-T.
Other names: c.1451G>A, p.Gly484Glu (NM_001353765.2); short protein forms G484E, G1552E.
Identifiers: ClinVar variation 1742203 (VCV001742203.8), dbSNP rs1668929634, ClinGen allele CA346460518.